The following is an entry in ClinVar:

NM_152703.5(SAMD9L):c.3192T>G (p.Asn1064Lys)

Gene: SAMD9L (sterile alpha motif domain containing 9 like; minus strand). Cytogenetic location: 7q21.2.
Variant type: single nucleotide variant.
Coding change: c.3192T>G on transcript NM_152703.5 (MANE Select); coding-DNA position 3192, T replaced by G.
Protein change: p.Asn1064Lys; replaces asparagine 1064 with lysine.
Molecular consequence: missense variant.
Genome position (GRCh38, 1-based): chr7:93,132,780, A>C on the plus strand (T>G on the coding strand, the complement: SAMD9L is on the minus strand). VCF-style: chr7-93132780-A-C. GRCh37 (hg19) VCF-style: chr7-92762093-A-C.
Other names: c.3192T>G, p.Asn1064Lys (NM_001303496.3, NM_001303497.3, NM_001303498.3 and 5 more transcripts); short protein forms N1064K.
Identifiers: ClinVar variation 3660419 (VCV003660419.2).

ClinVar aggregate classification (germline): Uncertain significance (1 of 4 stars; one submission).

gnomAD v4.1: 15 of 1,613,606 alleles (0.00093%); highest among the groups gnomAD compares: Non-Finnish European, 0.0013%; no homozygotes.

Submission:

Labcorp Genetics (formerly Invitae), Labcorp
Classification: Uncertain significance. Last evaluated: 2024-07-23. Review status: criteria provided, single submitter. Criteria: Invitae Variant Classification Sherloc (09022015). Collection method: clinical testing. Allele origin: germline.
Comment: This sequence change replaces asparagine, which is neutral and polar, with lysine, which is basic and polar, at codon 1064 of the SAMD9L protein (p.Asn1064Lys). This variant is present in population databases (rs753696406, gnomAD 0.0009%). This variant has not been reported in the literature in individuals affected with SAMD9L-related conditions. Advanced modeling of protein sequence and biophysical properties (such as structural, functional, and spatial information, amino acid conservation, physicochemical variation, residue mobility, and thermodynamic stability) performed at Invitae indicates that this missense variant is not expected to disrupt SAMD9L protein function with a negative predictive value of 80%. In summary, the available evidence is currently insufficient to determine the role of this variant in disease. Therefore, it has been classified as a Variant of Uncertain Significance.